The following is an entry in ClinVar:

ClinVar aggregate classification (germline): Uncertain significance. Review status: criteria provided, multiple submitters, no conflicts (2 of 4 stars). 2 submissions from 2 submitters: Uncertain significance (2). Last evaluated 2023-10-05.

Conditions:
Norman-Roberts syndrome (LIS2). Also called: Lissencephaly 2 (Norman-Roberts type). Identifiers: Orphanet 89844, MedGen C0796089, MONDO:0009760, OMIM 257320.
Familial temporal lobe epilepsy 7. Identifiers: Orphanet 101046, MedGen C4225327, MONDO:0014639, OMIM 616436.
Inborn genetic diseases. Identifiers: MedGen C0950123, MeSH D030342.

Allele frequency attached by ClinVar (database versions not stated): gnomAD exomes 0.00001.
gnomAD v4.1: 10 of 1,472,530 alleles (0.00068%); highest among the groups gnomAD compares: Non-Finnish European, 0.00082%; no homozygotes.

Submissions (2):

Labcorp Genetics (formerly Invitae), Labcorp
Classification: Uncertain significance for Familial temporal lobe epilepsy 7; Norman-Roberts syndrome. Last evaluated: 2023-10-05. Review status: criteria provided, single submitter. Criteria: Invitae Variant Classification Sherloc (09022015). Collection method: clinical testing. Allele origin: germline.
Comment: This sequence change replaces asparagine, which is neutral and polar, with lysine, which is basic and polar, at codon 1749 of the RELN protein (p.Asn1749Lys). This variant is not present in population databases (gnomAD no frequency). This variant has not been reported in the literature in individuals affected with RELN-related conditions. ClinVar contains an entry for this variant (Variation ID: 2272749). Advanced modeling of protein sequence and biophysical properties (such as structural, functional, and spatial information, amino acid conservation, physicochemical variation, residue mobility, and thermodynamic stability) performed at Invitae indicates that this missense variant is not expected to disrupt RELN protein function. In summary, the available evidence is currently insufficient to determine the role of this variant in disease. Therefore, it has been classified as a Variant of Uncertain Significance.

Ambry Genetics
Classification: Uncertain significance for Inborn genetic diseases. Last evaluated: 2022-01-26. Review status: criteria provided, single submitter. Criteria: Ambry Variant Classification Scheme 2023. Collection method: clinical testing. Allele origin: germline.

NM_005045.4(RELN):c.5247C>A (p.Asn1749Lys)

Gene: RELN (reelin; minus strand). Cytogenetic location: 7q22.1.
Variant type: single nucleotide variant.
Coding change: c.5247C>A on transcript NM_005045.4 (MANE Select); coding-DNA position 5247, C replaced by A.
Protein change: p.Asn1749Lys; replaces asparagine 1749 with lysine.
Molecular consequence: missense variant.
Genome position (GRCh38, 1-based): chr7:103,561,917, G>T on the plus strand (C>A on the coding strand, the complement: RELN is on the minus strand). VCF-style: chr7-103561917-G-T. GRCh37 (hg19) VCF-style: chr7-103202364-G-T.
Other names: c.5247C>A, p.Asn1749Lys (NM_173054.3); short protein forms N1749K.
Identifiers: ClinVar variation 2272749 (VCV002272749.5), dbSNP rs2484734785, ClinGen allele CA368744556.